The following is an entry in ClinVar:

NM_015610.4(WIPI2):c.273C>G (p.Val91=)

Gene: WIPI2 (WD repeat domain, phosphoinositide interacting 2; plus strand). Cytogenetic location: 7p22.1.
Variant type: single nucleotide variant.
Coding change: c.273C>G on transcript NM_015610.4 (MANE Select); coding-DNA position 273, C replaced by G.
Protein change: p.Val91=; no amino-acid change (valine 91 retained).
Molecular consequence: synonymous variant. On other transcripts: 5 prime UTR variant (1).
Genome position (GRCh38, 1-based): chr7:5,214,596, C>G. VCF-style: chr7-5214596-C-G. GRCh37 (hg19) VCF-style: chr7-5254227-C-G.
Other names: NC_000007.13:g.5254227C>G; c.273C>G, p.Val91= (NM_001033518.2); c.219C>G, p.Val73= (NM_001033519.2, NM_016003.4); c.96C>G, p.Val32= (NM_001033520.1); c.-160C>G (NM_001278299.2).
Identifiers: ClinVar variation 3059558 (VCV003059558.3), dbSNP rs4587243, ClinGen allele CA4141639.
Genomic context (GRCh38, chr7:5,214,596, plus strand): 5'-CGATACGGAAGATGTGTGCATTGTAGAGAGATTGTTCTCCAGCAGCCTAGTGGCCATCGT[C>G]AGCCTTAAAGCACCAAGGAAGCTAAAGGTTTGCCACTTTAAGAAGGGAACTGAGATCTGC-3'
Protein context (NP_056425.1, residues 81-101): RLFSSSLVAI[Val91=]SLKAPRKLKV

ClinVar aggregate classification (germline): Benign (0 of 4 stars; one submission).

Conditions:
WIPI2-related disorder. Also called: WIPI2-related condition.

Allele frequency attached by ClinVar (database versions not stated): gnomAD exomes 0.98498; ExAC 0.98660; gnomAD 0.98687; ESP Exome Variant Server 0.98877; TOPMed 0.98992; 1000 Genomes Project 30x 0.99407; 1000 Genomes Project 0.99441.
gnomAD v4.1: 1,590,430 of 1,614,266 alleles (99%); highest among the groups gnomAD compares: East Asian, 100%; 783,517 homozygotes.

Submissions (2):

PreventionGenetics, part of Exact Sciences
Classification: Benign for WIPI2-related condition. Last evaluated: 2019-11-05. Review status: no assertion criteria provided. Collection method: clinical testing. Allele origin: germline.
Comment: This variant is classified as benign based on ACMG/AMP sequence variant interpretation guidelines (Richards et al. 2015 PMID: 25741868, with internal and published modifications).

Dr. Peter K. Rogan Lab, Western University
No classification provided (evidence only). Condition: Familial cancer of breast. Review status: no classification provided. Collection method: in vitro. Allele origin: not applicable. Functional consequence: retained intron. Not counted in ClinVar's aggregate classification.